The following is an entry in ClinVar:

NM_001918.5(DBT):c.881T>G (p.Leu294Ter)

Gene: DBT (dihydrolipoamide branched chain transacylase E2; minus strand). Cytogenetic location: 1p21.2.
Variant type: single nucleotide variant.
Coding change: c.881T>G on transcript NM_001918.5 (MANE Select); coding-DNA position 881, T replaced by G.
Protein change: p.Leu294Ter; replaces leucine 294 with a stop codon.
Molecular consequence: nonsense. On other transcripts: non-coding transcript variant (4).
Genome position (GRCh38, 1-based): chr1:100,214,875, A>C on the plus strand (T>G on the coding strand, the complement: DBT is on the minus strand). VCF-style: chr1-100214875-A-C. GRCh37 (hg19) VCF-style: chr1-100680431-A-C.
Other names: c.338T>G, p.Leu113Ter (NM_001399969.1, NM_001399972.1); short protein forms L113*, L294*.
Identifiers: ClinVar variation 3239659 (VCV003239659.2), dbSNP rs2524147444.

ClinVar aggregate classification (germline): Pathogenic/Likely pathogenic. Review status: criteria provided, multiple submitters, no conflicts (2 of 4 stars). 2 submissions from 2 submitters: Pathogenic (1); Likely pathogenic (1). Last evaluated 2024-07-23.

Conditions:
Maple syrup urine disease type 2 (MSUD2). Also called: Maple syrup urine disease, type II. Identifiers: MedGen C1855371, MONDO:0023693, OMIM 620699.

Submissions (2):

3billion
Classification: Pathogenic for Maple syrup urine disease type 2. Last evaluated: 2024-07-23. Review status: criteria provided, single submitter. Criteria: ACMG Guidelines, 2015. Collection method: clinical testing. Allele origin: germline. Affected: yes.
Comment: The variant is not observed in the gnomAD v4.0.0 dataset. Predicted Consequence/Location: Stop-gained (nonsense): predicted to result in a loss or disruption of normal protein function through nonsense-mediated decay (NMD) or protein truncation. Multiple pathogenic variants are reported downstream of the variant. The variant has been reported to be associated with DBT-related disorder (ClinVar ID: VCV003239659). Therefore, this variant is classified as Pathogenic according to the recommendation of ACMG/AMP guideline.

Laboratory of Medical Genetics, National & Kapodistrian University of Athens
Classification: Likely pathogenic for Maple syrup urine disease type 2. Last evaluated: 2024-02-01. Review status: criteria provided, single submitter. Criteria: ACMG Guidelines, 2015. Collection method: curation. Allele origin: germline. Affected: no.